The following is an entry in ClinVar:

ClinVar aggregate classification (germline): Pathogenic. Review status: criteria provided, multiple submitters, no conflicts (2 of 4 stars). 2 submissions from 2 submitters: Pathogenic (2). Last evaluated 2023-09-08.

Conditions:
Autosomal recessive nonsyndromic hearing loss 3. Also called: NEUROSENSORY NONSYNDROMIC RECESSIVE DEAFNESS 3. Identifiers: Orphanet 90636, MedGen C1838263, MONDO:0010860, OMIM 600316.

Allele frequency attached by ClinVar (database versions not stated): gnomAD exomes below 0.00001.

Submissions (2):

Labcorp Genetics (formerly Invitae), Labcorp
Classification: Pathogenic. Last evaluated: 2023-09-08. Review status: criteria provided, single submitter. Criteria: Invitae Variant Classification Sherloc (09022015). Collection method: clinical testing. Allele origin: germline.
Comment: For these reasons, this variant has been classified as Pathogenic. This variant is also known as c.855_856insT. This premature translational stop signal has been observed in individual(s) with deafness (PMID: 26445815, 30953472, 32860223, 34416374). In at least one individual the data is consistent with being in trans (on the opposite chromosome) from a pathogenic variant. This variant is not present in population databases (gnomAD no frequency). This sequence change creates a premature translational stop signal (p.Pro286Serfs*15) in the MYO15A gene. It is expected to result in an absent or disrupted protein product. Loss-of-function variants in MYO15A are known to be pathogenic (PMID: 17546645).

Genetics Research Center, University of Social Welfare and Rehabilitation Sciences
Classification: Pathogenic for Autosomal recessive nonsyndromic hearing loss 3. Review status: criteria provided, single submitter. Criteria: ACMG Guidelines, 2015. Collection method: research. Allele origin: germline. Affected: yes.
Comment: The variant is not present in the gnomAD v2.1.1 dataset and has been previously reported in individual(s) affected with MYO15A-related hearing loss (PMID:26445815, 30953472, 32860223, 34416374). We observed this variant in compound heterozygosity with the c.4655+1G>A variant. It introduces a premature termination codon, which is expected to result in an absent or truncated protein product.

Literature cited by the submitters: PubMed 26445815 (cited by Labcorp Genetics (formerly Invitae), Labcorp and Genetics Research Center, University of Social Welfare and Rehabilitation Sciences); PubMed 30953472 (cited by Labcorp Genetics (formerly Invitae), Labcorp and Genetics Research Center, University of Social Welfare and Rehabilitation Sciences); PubMed 32860223 (cited by Labcorp Genetics (formerly Invitae), Labcorp and Genetics Research Center, University of Social Welfare and Rehabilitation Sciences); PubMed 34416374 (cited by Labcorp Genetics (formerly Invitae), Labcorp and Genetics Research Center, University of Social Welfare and Rehabilitation Sciences); PubMed 17546645 (cited by Labcorp Genetics (formerly Invitae), Labcorp).

NM_016239.4(MYO15A):c.855dup (p.Pro286fs)

Gene: MYO15A (myosin XVA; plus strand). Cytogenetic location: 17p11.2.
Variant type: Duplication.
Coding change: c.855dup on transcript NM_016239.4 (MANE Select); coding-DNA position 855, one base duplicated (T; older notation c.855dupT).
Protein change: p.Pro286fs; shifts the reading frame from proline 286.
Molecular consequence: frameshift variant.
Genome position (GRCh38, 1-based): chr17:18,119,655, T duplicated. VCF-style (leftmost placement, unchanged base first): chr17-18119654-A-AT. GRCh37 (hg19) VCF-style: chr17-18022968-A-AT.
Other names: short protein forms P286fs.
Identifiers: ClinVar variation 2736464 (VCV002736464.4), dbSNP rs2045868233, ClinGen allele CA2250838889.